The following is an entry in ClinVar:

NM_000126.4(ETFA):c.-48C>T

Gene: ETFA (electron transfer flavoprotein subunit alpha; minus strand). Cytogenetic location: 15q24.3.
Variant type: single nucleotide variant.
Coding change: c.-48C>T on transcript NM_000126.4 (MANE Select); 48 bases upstream of the start codon, C replaced by T.
Molecular consequence: 5 prime UTR variant.
Genome position (GRCh38, 1-based): chr15:76,311,436, G>A on the plus strand (C>T on the coding strand, the complement: ETFA is on the minus strand). VCF-style: chr15-76311436-G-A. GRCh37 (hg19) VCF-style: chr15-76603777-G-A.
Other names: c.-48C>T (NM_001127716.2).
Identifiers: ClinVar variation 513237 (VCV000513237.1), dbSNP rs770397572, ClinGen allele CA619191066.

ClinVar aggregate classification (germline): Likely benign (1 of 4 stars; one submission).

gnomAD v4.1: 19 of 1,544,426 alleles (0.0012%); highest among the groups gnomAD compares: East Asian, 0.0024%; no homozygotes.

Submission:

GeneDx
Classification: Likely benign. Last evaluated: 2017-11-21. Review status: criteria provided, single submitter. Criteria: GeneDx Variant Classification (06012015). Collection method: clinical testing. Allele origin: germline. Affected: yes.
Comment: This variant is considered likely benign or benign based on one or more of the following criteria: it is a conservative change, it occurs at a poorly conserved position in the protein, it is predicted to be benign by multiple in silico algorithms, and/or has population frequency not consistent with disease.